The following is an entry in ClinVar:

NM_001330078.2(NRXN1):c.2596_2598del (p.Ile866del)

Gene: NRXN1 (neurexin 1; minus strand). Cytogenetic location: 2p16.3.
Variant type: Deletion.
Coding change: c.2596_2598del on transcript NM_001330078.2 (MANE Select); coding-DNA positions 2596 to 2598, 3 bases deleted (ATT; older notation c.2596_2598delATT).
Protein change: p.Ile866del; deletes isoleucine 866.
Genome position (GRCh38, 1-based): chr2:50,497,614-50,497,616, AAT deleted on the plus strand (ATT on the coding strand, the reverse complement: NRXN1 is on the minus strand). VCF-style (leftmost placement, unchanged base first): chr2-50497613-CAAT-C. GRCh37 (hg19) VCF-style: chr2-50724751-CAAT-C.
Other names: c.2716_2718del, p.Ile906del (NM_001135659.3); c.2572_2574del, p.Ile858del (NM_001330077.2, NM_001330082.2); c.2530_2532del, p.Ile844del (NM_001330083.2, NM_001330084.2); c.2569_2571del, p.Ile857del (NM_001330085.2); c.2596_2598del, p.Ile866del (NM_001330086.2, NM_004801.6); c.2485_2487del, p.Ile829del (NM_001330087.2, NM_001330096.2); c.2515_2517del, p.Ile839del (NM_001330088.2); c.2593_2595del, p.Ile865del (NM_001330093.2); and 2 more; short protein forms I839del, I849del, I862del, I906del, I865del, I844del, I857del, I858del.
Identifiers: ClinVar variation 3716989 (VCV003716989.2).

ClinVar aggregate classification (germline): Uncertain significance (1 of 4 stars; one submission).

Conditions:
Pitt-Hopkins-like syndrome 2 (PTHSL2). Identifiers: Orphanet 221150, Orphanet 600663, MedGen C3280479, MONDO:0013690, OMIM 614325.

Submission:

Labcorp Genetics (formerly Invitae), Labcorp
Classification: Uncertain significance for Pitt-Hopkins-like syndrome 2. Last evaluated: 2024-09-14. Review status: criteria provided, single submitter. Criteria: Invitae Variant Classification Sherloc (09022015). Collection method: clinical testing. Allele origin: germline.
Comment: This variant, c.2716_2718del, results in the deletion of 1 amino acid(s) of the NRXN1 protein (p.Ile906del), but otherwise preserves the integrity of the reading frame. This variant is not present in population databases (gnomAD no frequency). This variant has not been reported in the literature in individuals affected with NRXN1-related conditions. Experimental studies and prediction algorithms are not available or were not evaluated, and the functional significance of this variant is currently unknown. In summary, the available evidence is currently insufficient to determine the role of this variant in disease. Therefore, it has been classified as a Variant of Uncertain Significance.